The following is an entry in ClinVar:

ClinVar aggregate classification (germline): Uncertain significance (1 of 4 stars; one submission).

Submission:

GeneDx
Classification: Uncertain significance. Last evaluated: 2023-01-30. Review status: criteria provided, single submitter. Criteria: GeneDx Variant Classification Process June 2021. Collection method: clinical testing. Allele origin: germline. Affected: yes.
Comment: Not observed at significant frequency in large population cohorts (gnomAD); In silico analysis supports that this missense variant has a deleterious effect on protein structure/function; Has not been previously published as pathogenic or benign to our knowledge

NM_001379200.1(TBX1):c.422T>A (p.Val141Asp)

Gene: TBX1 (T-box transcription factor 1; plus strand). Cytogenetic location: 22q11.21.
Variant type: single nucleotide variant.
Coding change: c.422T>A on transcript NM_001379200.1 (MANE Select); coding-DNA position 422, T replaced by A.
Protein change: p.Val141Asp; replaces valine 141 with aspartic acid.
Molecular consequence: missense variant.
Genome position (GRCh38, 1-based): chr22:19,761,265, T>A. VCF-style: chr22-19761265-T-A. GRCh37 (hg19) VCF-style: chr22-19748788-T-A.
Other names: c.395T>A, p.Val132Asp (NM_005992.1, NM_080646.2, NM_080647.1); short protein forms V132D, V141D.
Identifiers: ClinVar variation 2574519 (VCV002574519.1), dbSNP rs2517843098, ClinGen allele CA410681837.